The following is an entry in ClinVar:

NM_001558.4(IL10RA):c.161G>C (p.Ser54Thr)

Gene: IL10RA (interleukin 10 receptor subunit alpha; plus strand). Cytogenetic location: 11q23.3.
Variant type: single nucleotide variant.
Coding change: c.161G>C on transcript NM_001558.4 (MANE Select); coding-DNA position 161, G replaced by C.
Protein change: p.Ser54Thr; replaces serine 54 with threonine.
Molecular consequence: missense variant. On other transcripts: non-coding transcript variant (1).
Genome position (GRCh38, 1-based): chr11:117,988,475, G>C. VCF-style: chr11-117988475-G-C. GRCh37 (hg19) VCF-style: chr11-117859190-G-C.
Other names: short protein forms S54T.
Identifiers: ClinVar variation 645586 (VCV000645586.3), dbSNP rs772899933, ClinGen allele CA382772952.

ClinVar aggregate classification (germline): Uncertain significance (1 of 4 stars; one submission).

Conditions:
Inflammatory bowel disease 28. Also called: Inflammatory bowel disease 28, early onset, autosomal recessive. Identifiers: Orphanet 238569, MedGen C2751053, MONDO:0013153, OMIM 613148.

Submission:

Labcorp Genetics (formerly Invitae), Labcorp
Classification: Uncertain significance for Inflammatory bowel disease 28. Last evaluated: 2024-10-20. Review status: criteria provided, single submitter. Criteria: Invitae Variant Classification Sherloc (09022015). Collection method: clinical testing. Allele origin: germline.
Comment: This sequence change replaces serine, which is neutral and polar, with threonine, which is neutral and polar, at codon 54 of the IL10RA protein (p.Ser54Thr). This variant is not present in population databases (gnomAD no frequency). This variant has not been reported in the literature in individuals affected with IL10RA-related conditions. ClinVar contains an entry for this variant (Variation ID: 645586). Invitae Evidence Modeling of protein sequence and biophysical properties (such as structural, functional, and spatial information, amino acid conservation, physicochemical variation, residue mobility, and thermodynamic stability) indicates that this missense variant is expected to disrupt IL10RA protein function with a positive predictive value of 80%. In summary, the available evidence is currently insufficient to determine the role of this variant in disease. Therefore, it has been classified as a Variant of Uncertain Significance.